The following is an entry in ClinVar:

ClinVar aggregate classification (germline): Uncertain significance (1 of 4 stars; one submission).

gnomAD v4.1: 2 of 1,614,072 alleles (0.00012%); highest among the groups gnomAD compares: Non-Finnish European, 0.00017%; no homozygotes.

Submission:

Labcorp Genetics (formerly Invitae), Labcorp
Classification: Uncertain significance. Last evaluated: 2025-11-06. Review status: criteria provided, single submitter. Criteria: Invitae Variant Classification Sherloc (09022015). Collection method: clinical testing. Allele origin: germline.
Comment: This sequence change replaces alanine, which is neutral and non-polar, with glycine, which is neutral and non-polar, at codon 2672 of the COL7A1 protein (p.Ala2672Gly). This variant is not present in population databases (gnomAD no frequency). This variant has not been reported in the literature in individuals affected with COL7A1-related conditions. ClinVar contains an entry for this variant (Variation ID: 1903240). Invitae Evidence Modeling of protein sequence and biophysical properties (such as structural, functional, and spatial information, amino acid conservation, physicochemical variation, residue mobility, and thermodynamic stability) indicates that this missense variant is not expected to disrupt COL7A1 protein function with a negative predictive value of 95%. In summary, the available evidence is currently insufficient to determine the role of this variant in disease. Therefore, it has been classified as a Variant of Uncertain Significance.

NM_000094.4(COL7A1):c.8015C>G (p.Ala2672Gly)

Gene: COL7A1 (collagen type VII alpha 1 chain; minus strand). Cytogenetic location: 3p21.31.
Variant type: single nucleotide variant.
Coding change: c.8015C>G on transcript NM_000094.4 (MANE Select); coding-DNA position 8015, C replaced by G.
Protein change: p.Ala2672Gly; replaces alanine 2672 with glycine.
Molecular consequence: missense variant.
Genome position (GRCh38, 1-based): chr3:48,567,605, G>C on the plus strand (C>G on the coding strand, the complement: COL7A1 is on the minus strand). VCF-style: chr3-48567605-G-C. GRCh37 (hg19) VCF-style: chr3-48605038-G-C.
Other names: short protein forms A2672G.
Identifiers: ClinVar variation 1903240 (VCV001903240.3), dbSNP rs2530824474, ClinGen allele CA352641088.
Genomic context (GRCh38, chr3:48,567,605, plus strand): 5'-GTCATGTCCACTGTCCACAGACCCTGTACCTTGGGACCGATCAGGCCCTCCTTGCCAGGG[G>C]CCCCCGACTGGCCCGGCACACCAGGCTCCCCCTGGAGAAAAAAAGACATGAACTTGGCCC-3'
Protein context (NP_000085.1, residues 2662-2682): GEPGVPGQSG[Ala2672Gly]PGKEGLIGPK